The following is an entry in ClinVar:

ClinVar aggregate classification (germline): Likely benign. Review status: criteria provided, single submitter (1 of 4 stars). 2 submissions from 2 submitters: Likely benign (1). 1 of the submissions does not count toward it. Last evaluated 2024-05-12.

Conditions:
NTRK2-related disorder. Also called: NTRK2-related condition.

gnomAD v4.1: 14 of 1,614,098 alleles (0.00087%); highest among the groups gnomAD compares: Non-Finnish European, 0.0012%; no homozygotes.

Submissions (2):

Labcorp Genetics (formerly Invitae), Labcorp
Classification: Likely benign. Last evaluated: 2024-05-12. Review status: criteria provided, single submitter. Criteria: Invitae Variant Classification Sherloc (09022015). Collection method: clinical testing. Allele origin: germline.

PreventionGenetics, part of Exact Sciences
Classification: Likely benign for NTRK2-related condition. Last evaluated: 2023-12-19. Review status: no assertion criteria provided. Collection method: clinical testing. Allele origin: germline. Not counted in ClinVar's aggregate classification.
Comment: This variant is classified as likely benign based on ACMG/AMP sequence variant interpretation guidelines (Richards et al. 2015 PMID: 25741868, with internal and published modifications).

NM_006180.6(NTRK2):c.1470T>C (p.Asp490=)

Gene: NTRK2 (neurotrophic receptor tyrosine kinase 2; plus strand). Cytogenetic location: 9q21.33.
Variant type: single nucleotide variant.
Coding change: c.1470T>C on transcript NM_006180.6 (MANE Select); coding-DNA position 1470, T replaced by C.
Protein change: p.Asp490=; no amino-acid change (aspartic acid 490 retained).
Molecular consequence: synonymous variant.
Genome position (GRCh38, 1-based): chr9:84,867,268, T>C. VCF-style: chr9-84867268-T-C. GRCh37 (hg19) VCF-style: chr9-87482183-T-C.
Other names: c.1422T>C, p.Asp474= (NM_001018064.3, NM_001018066.3, NM_001369532.1 and 2 more transcripts); c.1470T>C, p.Asp490= (NM_001018065.2, NM_001369537.1); c.1386T>C, p.Asp462= (NM_001369534.1); c.954T>C, p.Asp318= (NM_001369535.1); c.1002T>C, p.Asp334= (NM_001369536.1).
Identifiers: ClinVar variation 3357609 (VCV003357609.3).
Genomic context (GRCh38, chr9:84,867,268, plus strand): 5'-ATTACAGGAGAATATATATATTTTTCCATCTCCAGGCCCAGCCTCCGTTATCAGCAATGA[T>C]GATGACTCTGCCAGCCCACTCCATCACATCTCCAATGGGAGTAACACTCCATCTTCTTCG-3'
Protein context (NP_006171.2, residues 480-500): GVGPASVISN[Asp490=]DDSASPLHHI